The following is an entry in ClinVar:

ClinVar aggregate classification (germline): Benign/Likely benign. Review status: criteria provided, multiple submitters, no conflicts (2 of 4 stars). 15 submissions from 15 submitters: Benign (3); Likely benign (10). 2 of the submissions do not count toward it. Last evaluated 2026-02-02.

Conditions:
Hereditary nonpolyposis colorectal neoplasms. Identifiers: MedGen C0009405, MeSH D003123.
Hereditary cancer-predisposing syndrome. Also called: Tumor predisposition; Hereditary neoplastic syndrome; Hereditary Cancer Syndrome; Neoplastic Syndromes, Hereditary. Identifiers: Orphanet 140162, MedGen C0027672, MeSH D009386, MONDO:0015356.
Lynch syndrome. Identifiers: Orphanet 144, MedGen C4552100, MONDO:0005835. Disease mechanism: loss of function.
Lynch syndrome 5 (LYNCH5). Also called: Hereditary non-polyposis colorectal cancer, type 5; Colorectal cancer, hereditary nonpolyposis, type 5. Identifiers: Orphanet 144, MedGen C1833477, MONDO:0013710, OMIM 614350. Disease mechanism: loss of function.

Allele frequency attached by ClinVar (database versions not stated): TOPMed 0.00004; gnomAD 0.00006; gnomAD exomes 0.00007 and 0.00009; ExAC 0.00023.

Submissions (15):

Labcorp Genetics (formerly Invitae), Labcorp
Classification: Benign for Hereditary nonpolyposis colorectal neoplasms. Last evaluated: 2026-02-02. Review status: criteria provided, single submitter. Criteria: Invitae Variant Classification Sherloc (09022015). Collection method: clinical testing. Allele origin: germline.

CeGaT Center for Human Genetics Tuebingen
Classification: Likely benign. Last evaluated: 2025-08-01. Review status: criteria provided, single submitter. Criteria: CeGaT Center For Human Genetics Tuebingen Variant Classification Criteria Version 2. Collection method: clinical testing. Allele origin: germline. Affected: yes. Observed: 4 variant alleles.
Comment: MSH6: BP4, BP7

Center for Genomic Medicine, Rigshospitalet, Copenhagen University Hospital
Classification: Likely benign. Last evaluated: 2025-03-04. Review status: criteria provided, single submitter. Criteria: ACMG Guidelines, 2015. Collection method: clinical testing. Allele origin: germline.

Blueprint Genetics
Classification: Likely benign. Last evaluated: 2024-11-21. Review status: criteria provided, single submitter. Criteria: ACMG Guidelines, 2015. Collection method: clinical testing. Allele origin: germline.

Institute for Biomarker Research, Medical Diagnostic Laboratories, L.L.C.
Classification: Likely benign for Hereditary cancer-predisposing syndrome. Last evaluated: 2023-07-27. Review status: criteria provided, single submitter. Criteria: ACMG Guidelines, 2015. Collection method: clinical testing. Allele origin: germline.

Myriad Genetics, Inc.
Classification: Benign for Lynch syndrome 5. Last evaluated: 2023-03-29. Review status: criteria provided, single submitter. Criteria: Myriad Autosomal Dominant, Autosomal Recessive and X-Linked Classification Criteria (2023). Collection method: clinical testing. Allele origin: unknown.
Comment: This variant is considered benign. This variant is a silent/synonymous amino acid change and it is not expected to impact splicing.

Quest Diagnostics Nichols Institute San Juan Capistrano
Classification: Likely benign. Last evaluated: 2022-08-19. Review status: criteria provided, single submitter. Criteria: Quest Diagnostics criteria. Collection method: clinical testing. Allele origin: unknown.

Sema4
Classification: Likely benign for Hereditary cancer-predisposing syndrome. Last evaluated: 2020-11-20. Review status: criteria provided, single submitter. Criteria: Sema4 Curation Guidelines. Collection method: curation. Allele origin: germline.

Women's Health and Genetics/Laboratory Corporation of America, LabCorp
Classification: Likely benign. Last evaluated: 2019-03-01. Review status: criteria provided, single submitter. Criteria: LabCorp Variant Classification Summary - May 2015. Collection method: clinical testing. Allele origin: germline.
Comment: Variant summary: MSH6 c.178T>C alters a non-conserved nucleotide resulting in a synonymous change. 5/5 computational tools predict no significant impact on normal splicing. However, these predictions have yet to be confirmed by functional studies. The variant allele was found at a frequency of 6.4e-05 in 157094 control chromosomes. This frequency is not significantly higher than expected for a pathogenic variant in MSH6 causing Lynch Syndrome (6.4e-05 vs 0.00014), allowing no conclusion about variant significance. c.178T>C has been reported in the literature in individuals affected with colon cancer. This report does not provide unequivocal conclusions about association of the variant with Lynch Syndrome. To our knowledge, no experimental evidence demonstrating an impact on protein function has been reported. Six clinical diagnostic laboratories have submitted clinical-significance assessments for this variant to ClinVar after 2014 without evidence for independent evaluation. All laboratories classified the variant as benign/likely benign. Based on the evidence outlined above, the variant was classified as likely benign.

PreventionGenetics, part of Exact Sciences
Classification: Likely benign. Last evaluated: 2017-04-21. Review status: criteria provided, single submitter. Criteria: ACMG Guidelines, 2015. Collection method: clinical testing. Allele origin: germline.

Color Diagnostics, LLC DBA Color Health
Classification: Likely benign for Hereditary cancer-predisposing syndrome. Last evaluated: 2015-12-28. Review status: criteria provided, single submitter. Criteria: ACMG Guidelines, 2015. Collection method: clinical testing. Allele origin: germline.

Ambry Genetics
Classification: Likely benign for Hereditary cancer-predisposing syndrome. Last evaluated: 2015-01-06. Review status: criteria provided, single submitter. Criteria: Ambry Variant Classification Scheme 2023. Collection method: clinical testing. Allele origin: germline.

GeneDx
Classification: Benign. Last evaluated: 2014-03-03. Review status: criteria provided, single submitter. Criteria: GeneDx Variant Classification (06012015). Collection method: clinical testing. Allele origin: germline. Affected: yes.
Comment: This variant is considered likely benign or benign based on one or more of the following criteria: it is a conservative change, it occurs at a poorly conserved position in the protein, it is predicted to be benign by multiple in silico algorithms, and/or has population frequency not consistent with disease.

Counsyl
Classification: Likely benign for Lynch syndrome 5. Last evaluated: 2016-07-29. Review status: no assertion criteria provided. Collection method: clinical testing. Allele origin: unknown. Not counted in ClinVar's aggregate classification.

Department of Pathology and Laboratory Medicine, Sinai Health System
Classification: Likely benign for Lynch syndrome. Review status: no assertion criteria provided. Collection method: clinical testing. Allele origin: unknown. Affected: yes. Observed: 1 variant allele. Study: The Canadian Open Genetics Repository (COGR). Not counted in ClinVar's aggregate classification.
Comment: The MSH6 p.Leu60= variant was identified in 1 of 2132 proband chromosomes (frequency: 0.00046) from individuals or families with colorectal cancer (Hampel 2005). The variant was also identified in the following databases: dbSNP (ID: rs35819209) as â€šÃ„ÃºWith Likely benign alleleâ€šÃ„Ã¹, ClinVar and Clinvitae (6x as benign by Invitae and GeneDx, and as likely benign by Ambry Genetics, Counsyl, Color Genomics and Quest diagnostics), Insight Colon Cancer Gene Variant Database (1x) and Insight Hereditary Tumors Database (2x). The variant was not identified in the COGR, Cosmic, MutDB, UMD-LSDB, Zhejiang University Database or the Mismatch Repair Genes Variant Database. The variant was identified in control databases in 10 of 157094 chromosomes at a frequency of 0.000064 (Genome Aggregation Database Feb 27, 2017). The variant was observed in the European Non-Finnish in 9 of 66828 chromosomes (freq: 0.00013) and Ashkenazi Jewish in 1 of 6288 chromosomes (freq: 0.00016); it was not observed in the African, â€šÃ„ÃºOtherâ€šÃ„Ã¹, Latino, East Asian, European Finnish or South Asian populations. The p.Leu60Leu variant is not expected to have clinical significance because it does not result in a change of amino acid and is not located in a known consensus splice site. In addition, in silico or computational prediction software programs (SpliceSiteFinder, MaxEntScan, NNSPLICE, GeneSplicer, HumanSpliceFinder) do not predict a difference in splicing. In summary, based on the above information the clinical significance of this variant cannot be determined with certainty at this time although we would lean towards a more benign role for this variant. This variant is classified as likely benign.

Literature cited by the submitters: PubMed 15872200 (cited by 3 submitters); PubMed 26635394 (cited by Quest Diagnostics Nichols Institute San Juan Capistrano and Counsyl).

NM_000179.3(MSH6):c.178T>C (p.Leu60=)

Gene: MSH6 (mutS homolog 6; plus strand). Cytogenetic location: 2p16.3.
Variant type: single nucleotide variant.
Coding change: c.178T>C on transcript NM_000179.3 (MANE Select); coding-DNA position 178, T replaced by C.
Protein change: p.Leu60=; no amino-acid change (leucine 60 retained).
Molecular consequence: synonymous variant. On other transcripts: 5 prime UTR variant (1).
Genome position (GRCh38, 1-based): chr2:47,783,411, T>C. VCF-style: chr2-47783411-T-C. GRCh37 (hg19) VCF-style: chr2-48010550-T-C.
Other names: p.L60L:TTG>CTG; c.178T>C, p.Leu60= (NM_001281492.2); c.-559T>C (NM_001281493.2).
Identifiers: ClinVar variation 135832 (VCV000135832.58), dbSNP rs35819209, ClinGen allele CA009205.